The following is an entry in ClinVar:

NM_004655.4(AXIN2):c.1436C>A (p.Ser479Tyr)

Gene: AXIN2 (axin 2; minus strand). Cytogenetic location: 17q24.1.
Variant type: single nucleotide variant.
Coding change: c.1436C>A on transcript NM_004655.4 (MANE Select); coding-DNA position 1436, C replaced by A.
Protein change: p.Ser479Tyr; replaces serine 479 with tyrosine.
Molecular consequence: missense variant.
Genome position (GRCh38, 1-based): chr17:65,537,600, G>T on the plus strand (C>A on the coding strand, the complement: AXIN2 is on the minus strand). VCF-style: chr17-65537600-G-T. GRCh37 (hg19) VCF-style: chr17-63533718-G-T.
Other names: c.1436C>A (LRG_296t1); c.1436C>A, p.Ser479Tyr (NM_001363813.1); short protein forms S479Y.
Identifiers: ClinVar variation 408801 (VCV000408801.20), dbSNP rs137933764, ClinGen allele CA8718647.

ClinVar aggregate classification (germline): Conflicting classifications of pathogenicity. Review status: criteria provided, conflicting classifications (1 of 4 stars). 7 submissions from 7 submitters: Uncertain significance (6); Benign (1). Last evaluated 2026-07-01.

Conditions:
AXIN2-related disorder.
Oligodontia-cancer predisposition syndrome. Also called: TOOTH AGENESIS-COLORECTAL CANCER SYNDROME. Identifiers: Orphanet 300576, MedGen C1837750, MONDO:0012075, OMIM 608615. Disease mechanism: loss of function.
Colorectal cancer. Also called: Colorectal cancer, somatic; Malignant Colorectal Neoplasm. Identifiers: MedGen C0346629, MONDO:0005575, OMIM 114500.
Hereditary cancer-predisposing syndrome. Also called: Neoplastic Syndromes, Hereditary; Tumor predisposition; Hereditary Cancer Syndrome; Hereditary neoplastic syndrome. Identifiers: Orphanet 140162, MedGen C0027672, MeSH D009386, MONDO:0015356.

Allele frequency attached by ClinVar (database versions not stated): gnomAD exomes 0.00002; TOPMed 0.00005; ExAC 0.00006; ESP Exome Variant Server 0.00008; gnomAD 0.00016.
gnomAD v4.1: 15 of 1,603,352 alleles (0.00094%); highest among the groups gnomAD compares: African/African-American, 0.02%; no homozygotes.

Submissions (7):

PreventionGenetics, part of Exact Sciences
Classification: Uncertain significance for AXIN2-related condition. Last evaluated: 2026-07-01. Review status: criteria provided, single submitter. Criteria: ACMG Guidelines, 2015. Collection method: clinical testing. Allele origin: germline.
Comment: The AXIN2 c.1436C>A variant is predicted to result in the amino acid substitution p.Ser479Tyr. To our knowledge, this variant has not been reported in the literature. This variant is reported in 0.038% of alleles in individuals of African descent in gnomAD and has conflicting interpretations in ClinVar ranging from benign to uncertain (Variation ID: 408801). Although we suspect that this variant may be benign, at this time, the clinical significance of this variant is uncertain due to the absence of conclusive functional and genetic evidence.

St. Jude Molecular Pathology, St. Jude Children's Research Hospital
Classification: Uncertain significance for Oligodontia-cancer predisposition syndrome. Last evaluated: 2026-02-11. Review status: criteria provided, single submitter. Criteria: St. Jude Assertion Criteria 2020. Collection method: clinical testing. Allele origin: germline.
Comment: The AXIN2 c.1436C>A p.(Ser479Tyr) change has a maximum subpopulation frequency of 0.038% in gnomAD v2.1.1. The in silico tool REVEL predicts a benign effect on protein function, but to our knowledge this prediction has not been confirmed by functional studies. To our knowledge, this variant has not been reported in the literature in individuals with oligodontia-cancer predisposition syndrome. In summary, the evidence currently available is insufficient to determine the clinical significance of this variant. It has therefore been classified as of uncertain significance.

Labcorp Genetics (formerly Invitae), Labcorp
Classification: Uncertain significance for Oligodontia-cancer predisposition syndrome. Last evaluated: 2025-10-23. Review status: criteria provided, single submitter. Criteria: Invitae Variant Classification Sherloc (09022015). Collection method: clinical testing. Allele origin: germline.
Comment: This sequence change replaces serine, which is neutral and polar, with tyrosine, which is neutral and polar, at codon 479 of the AXIN2 protein (p.Ser479Tyr). The frequency data for this variant in the population databases is considered unreliable, as metrics indicate poor data quality at this position in the gnomAD database. This variant has not been reported in the literature in individuals affected with AXIN2-related conditions. ClinVar contains an entry for this variant (Variation ID: 408801). An algorithm developed to predict the effect of missense changes on protein structure and function (PolyPhen-2) suggests that this variant is likely to be tolerated. In summary, the available evidence is currently insufficient to determine the role of this variant in disease. Therefore, it has been classified as a Variant of Uncertain Significance.

Ambry Genetics
Classification: Benign for Hereditary cancer-predisposing syndrome. Last evaluated: 2024-06-18. Review status: criteria provided, single submitter. Criteria: Ambry Variant Classification Scheme 2023. Collection method: clinical testing. Allele origin: germline.

Fulgent Genetics
Classification: Uncertain significance for Colorectal cancer; Oligodontia-cancer predisposition syndrome. Last evaluated: 2023-12-28. Review status: criteria provided, single submitter. Criteria: ACMG Guidelines, 2015. Collection method: clinical testing. Allele origin: germline.

GeneDx
Classification: Uncertain significance. Last evaluated: 2023-07-26. Review status: criteria provided, single submitter. Criteria: GeneDx Variant Classification Process June 2021. Collection method: clinical testing. Allele origin: germline. Affected: yes.
Comment: In silico analysis supports that this missense variant does not alter protein structure/function; Has not been previously published as pathogenic or benign to our knowledge

Baylor Genetics
Classification: Uncertain significance for Colorectal cancer. Last evaluated: 2023-04-19. Review status: criteria provided, single submitter. Criteria: ACMG Guidelines, 2015. Collection method: clinical testing. Allele origin: unknown.